The following is an entry in ClinVar:

ClinVar aggregate classification (germline): Uncertain significance (1 of 4 stars; one submission).

Allele frequency attached by ClinVar (database versions not stated): gnomAD exomes below 0.00001.
gnomAD v4.1: 6 of 1,614,156 alleles (0.00037%); highest among the groups gnomAD compares: South Asian, 0.0055%; no homozygotes.

Submission:

Labcorp Genetics (formerly Invitae), Labcorp
Classification: Uncertain significance. Last evaluated: 2021-12-22. Review status: criteria provided, single submitter. Criteria: Invitae Variant Classification Sherloc (09022015). Collection method: clinical testing. Allele origin: germline.
Comment: This sequence change replaces arginine, which is basic and polar, with cysteine, which is neutral and slightly polar, at codon 1495 of the ARID1B protein (p.Arg1495Cys). This variant is not present in population databases (gnomAD no frequency). This variant has not been reported in the literature in individuals affected with ARID1B-related conditions. Algorithms developed to predict the effect of missense changes on protein structure and function are either unavailable or do not agree on the potential impact of this missense change (SIFT: "Deleterious"; PolyPhen-2: "Probably Damaging"; Align-GVGD: "Class C0"). In summary, the available evidence is currently insufficient to determine the role of this variant in disease. Therefore, it has been classified as a Variant of Uncertain Significance.

NM_001374828.1(ARID1B):c.4852C>T (p.Arg1618Cys)

Gene: ARID1B (AT-rich interaction domain 1B; plus strand). Cytogenetic location: 6q25.3.
Variant type: single nucleotide variant.
Coding change: c.4852C>T on transcript NM_001374828.1 (MANE Select); coding-DNA position 4852, C replaced by T.
Protein change: p.Arg1618Cys; replaces arginine 1618 with cysteine.
Molecular consequence: missense variant.
Genome position (GRCh38, 1-based): chr6:157,201,077, C>T. VCF-style: chr6-157201077-C-T. GRCh37 (hg19) VCF-style: chr6-157522211-C-T.
Other names: c.4603C>T, p.Arg1535Cys (NM_001346813.1); c.2353C>T, p.Arg785Cys (NM_001363725.2); c.4732C>T, p.Arg1578Cys (NM_001371656.1, NM_001374820.1); c.4693C>T, p.Arg1565Cys (NM_017519.3); c.4483C>T, p.Arg1495Cys (NM_020732.3); c.4270C>T, p.Arg1424Cys (NM_175863.2); short protein forms R785C, R1535C, R1578C, R1495C, R1565C, R1618C, R1424C.
Identifiers: ClinVar variation 2167313 (VCV002167313.4), dbSNP rs2128374412, ClinGen allele CA366241859.